The following is an entry in ClinVar:

ClinVar aggregate classification (germline): Uncertain significance. Review status: criteria provided, multiple submitters, no conflicts (2 of 4 stars). 2 submissions from 2 submitters: Uncertain significance (2). Last evaluated 2026-06-17.

Conditions:
Cardiovascular phenotype. Identifiers: MedGen CN230736.
APOC2-related disorder. Also called: APOC2-related condition.

Allele frequency attached by ClinVar (database versions not stated): gnomAD exomes 0.00001; TOPMed 0.00001; gnomAD 0.00001.

Submissions (2):

PreventionGenetics, part of Exact Sciences
Classification: Uncertain significance for APOC2-related condition. Last evaluated: 2026-06-17. Review status: criteria provided, single submitter. Criteria: ACMG Guidelines, 2015. Collection method: clinical testing. Allele origin: germline.
Comment: The APOC2 c.262A>C variant is predicted to result in the amino acid substitution p.Ile88Leu. To our knowledge, this variant has not been reported in the literature or in a large population database (gnomAD), indicating this variant is rare. At this time, the clinical significance of this variant is uncertain due to the absence of conclusive functional and genetic evidence.

Ambry Genetics
Classification: Uncertain significance for Cardiovascular phenotype. Last evaluated: 2022-09-05. Review status: criteria provided, single submitter. Criteria: Ambry Variant Classification Scheme 2023. Collection method: clinical testing. Allele origin: germline.
Comment: The p.I88L variant (also known as c.262A>C), located in coding exon 3 of the APOC2 gene, results from an A to C substitution at nucleotide position 262. The isoleucine at codon 88 is replaced by leucine, an amino acid with highly similar properties. This amino acid position is conserved. In addition, the in silico prediction for this alteration is inconclusive. Since supporting evidence is limited at this time, the clinical significance of this alteration remains unclear.

NM_000483.5(APOC2):c.262A>C (p.Ile88Leu)

Genes: APOC2 (apolipoprotein C2; plus strand), APOC4-APOC2 (APOC4-APOC2 readthrough (NMD candidate); plus strand). Cytogenetic location: 19q13.32.
Variant type: single nucleotide variant.
Coding change: c.262A>C on transcript NM_000483.5 (MANE Select); coding-DNA position 262, A replaced by C.
Protein change: p.Ile88Leu; replaces isoleucine 88 with leucine.
Molecular consequence: missense variant. On other transcripts: non-coding transcript variant (1).
Genome position (GRCh38, 1-based): chr19:44,949,205, A>C. VCF-style: chr19-44949205-A-C. GRCh37 (hg19) VCF-style: chr19-45452462-A-C.
Other names: short protein forms I88L.
Identifiers: ClinVar variation 1794025 (VCV001794025.3), dbSNP rs925487251, ClinGen allele CA308876262.
Genomic context (GRCh38, chr19:44,949,205, plus strand): 5'-TGCTTTCTCCCCAGGGACTTGTACAGCAAAAGCACAGCAGCCATGAGCACTTACACAGGC[A>C]TTTTTACTGACCAAGTTCTTTCTGTGCTGAAGGGAGAGGAGTAACAGCCAGACCCCCCAT-3'
Protein context (NP_000474.2, residues 78-98): STAAMSTYTG[Ile88Leu]FTDQVLSVLK